The following is an entry in ClinVar:

ClinVar aggregate classification (germline): Uncertain significance. Review status: criteria provided, single submitter (1 of 4 stars). 2 submissions from 1 submitter: Uncertain significance (2). Last evaluated 2018-03-13.

Conditions:
Okt4 epitope deficiency. Also called: T4 EPITOPE DEFICIENCY. Identifiers: MedGen C3151379, MONDO:0013497, OMIM 613949.
Immunodeficiency 79. Also called: CD4 deficiency. Identifiers: MedGen C5543220, MONDO:0030981, OMIM 619238.

Allele frequency attached by ClinVar (database versions not stated): gnomAD exomes below 0.00001 and 0.00001; gnomAD 0.00001; TOPMed 0.00001.
gnomAD v4.1: 7 of 1,614,082 alleles (0.00043%); highest among the groups gnomAD compares: South Asian, 0.0011%; no homozygotes.

Submissions (2):

Center for Genomics, Ann and Robert H. Lurie Children's Hospital of Chicago
Classification: Uncertain significance for Okt4 epitope deficiency. Last evaluated: 2018-03-13. Review status: criteria provided, single submitter. Criteria: ACMG Guidelines, 2015. Collection method: clinical testing. Allele origin: germline.
Comment: CD4 NM_000616.4 exon 6 p.Thr267Ala (c.799A>G): This variant has not been reported in the literature but is present in 1/110868 European alleles in the Genome Aggregation Database. Evolutionary conservation and computational predictive tools suggest that this variant may not impact the protein. In summary, data on this variant is insufficient for disease classification. Therefore, the clinical significance of this variant is uncertain.

Center for Genomics, Ann and Robert H. Lurie Children's Hospital of Chicago
Classification: Uncertain significance for Immunodeficiency 79; Okt4 epitope deficiency. Review status: criteria provided, single submitter. Criteria: ACMG Guidelines, 2015. Collection method: clinical testing. Allele origin: germline.
Comment: the same text as in the submission from Center for Genomics, Ann and Robert H. Lurie Children's Hospital of Chicago above.

NM_000616.5(CD4):c.799A>G (p.Thr267Ala)

Gene: CD4 (CD4 molecule; plus strand). Cytogenetic location: 12p13.31.
Variant type: single nucleotide variant.
Coding change: c.799A>G on transcript NM_000616.5 (MANE Select); coding-DNA position 799, A replaced by G.
Protein change: p.Thr267Ala; replaces threonine 267 with alanine.
Molecular consequence: missense variant. On other transcripts: 5 prime UTR variant (3).
Genome position (GRCh38, 1-based): chr12:6,816,247, A>G. VCF-style: chr12-6816247-A-G. GRCh37 (hg19) VCF-style: chr12-6925413-A-G.
Other names: c.262A>G, p.Thr88Ala (NM_001195014.3); c.-21A>G (NM_001195015.3, NM_001195016.3, NM_001195017.3); short protein forms T267A, T88A.
Identifiers: ClinVar variation 626076 (VCV000626076.3), dbSNP rs1325448082, ClinGen allele CA383711771.
Genomic context (GRCh38, chr12:6,816,247, plus strand): 5'-TCCTCCAAGTCTTGGATCACCTTTGACCTGAAGAACAAGGAAGTGTCTGTAAAACGGGTT[A>G]CCCAGGACCCTAAGCTCCAGATGGGCAAGAAGCTCCCGCTCCACCTCACCCTGCCCCAGG-3'
Protein context (NP_000607.1, residues 257-277): KNKEVSVKRV[Thr267Ala]QDPKLQMGKK